The following is an entry in ClinVar:

ClinVar aggregate classification (germline): Likely pathogenic (1 of 4 stars; one submission).

Conditions:
Intellectual developmental disorder with dysmorphic facies and behavioral abnormalities. Identifiers: MedGen C4748135, MONDO:0060760, OMIM 618089.

Submission:

3billion
Classification: Likely pathogenic for Intellectual developmental disorder with dysmorphic facies and behavioral abnormalities. Last evaluated: 2024-10-18. Review status: criteria provided, single submitter. Criteria: ACMG Guidelines, 2015. Collection method: clinical testing. Allele origin: germline. Affected: yes.
Comment: The variant is not observed in the gnomAD v4.1.0 dataset. Predicted Consequence/Location: Missense variant In silico tool predictions suggest damaging effect of the variant on gene or gene product [REVEL: 0.60 (>=0.6, sensitivity 0.68 and specificity 0.92); 3Cnet: 0.75 (>=0.6, sensitivity 0.72 and precision 0.9)]. Therefore, this variant is classified as Likely pathogenic according to the recommendation of ACMG/AMP guideline.

NM_001190274.2(FBXO11):c.1456G>C (p.Ala486Pro)

Gene: FBXO11 (F-box protein 11; minus strand). Cytogenetic location: 2p16.3.
Variant type: single nucleotide variant.
Coding change: c.1456G>C on transcript NM_001190274.2 (MANE Select); coding-DNA position 1456, G replaced by C.
Protein change: p.Ala486Pro; replaces alanine 486 with proline.
Molecular consequence: missense variant.
Genome position (GRCh38, 1-based): chr2:47,823,303, C>G on the plus strand (G>C on the coding strand, the complement: FBXO11 is on the minus strand). VCF-style: chr2-47823303-C-G. GRCh37 (hg19) VCF-style: chr2-48050442-C-G.
Other names: c.1204G>C, p.Ala402Pro (NM_001374325.1, NM_025133.4); short protein forms A402P, A486P.
Identifiers: ClinVar variation 4292983 (VCV004292983.1).